The following is an entry in ClinVar:

ClinVar aggregate classification (germline): Uncertain significance (1 of 4 stars; one submission).

Conditions:
Familial thoracic aortic aneurysm and aortic dissection (TAAD). Also called: Thoracic aortic aneurysms and dissections. Identifiers: Orphanet 91387, MedGen C4707243, MONDO:0019625.

Allele frequency attached by ClinVar (database versions not stated): gnomAD exomes 0.00001.

Submission:

Ambry Genetics
Classification: Uncertain significance for Familial thoracic aortic aneurysm and aortic dissection. Last evaluated: 2015-05-22. Review status: criteria provided, single submitter. Criteria: Ambry Variant Classification Scheme 2023. Collection method: clinical testing. Allele origin: germline.
Comment: The p.A421D variant (also known as c.1262C>A), located in coding exon 12 of the CBS gene, results from a C to A substitution at nucleotide position 1262. The alanine at codon 421 is replaced by aspartic acid, an amino acid with dissimilar properties. This variant was not reported in population based cohorts in the following databases: Database of Single Nucleotide Polymorphisms (dbSNP), NHLBI Exome Sequencing Project (ESP), and 1000 Genomes Project. In the ESP, this variant was not observed in 6472 samples (12944 alleles) with coverage at this position. This amino acid position is well conserved in available vertebrate species. In addition, the in silico prediction for this alteration is inconclusive. Since supporting evidence is limited at this time, the clinical significance of this variant remains unclear.

NM_000071.3(CBS):c.1262C>A (p.Ala421Asp)

Gene: CBS (cystathionine beta-synthase; minus strand). Cytogenetic location: 21q22.3.
Variant type: single nucleotide variant.
Coding change: c.1262C>A on transcript NM_000071.3 (MANE Select); coding-DNA position 1262, C replaced by A.
Protein change: p.Ala421Asp; replaces alanine 421 with aspartic acid.
Molecular consequence: missense variant.
Genome position (GRCh38, 1-based): chr21:43,058,930, G>T on the plus strand (C>A on the coding strand, the complement: CBS is on the minus strand). VCF-style: chr21-43058930-G-T. GRCh37 (hg19) VCF-style: chr21-44479040-G-T.
Other names: c.1262C>A, p.Ala421Asp (NM_001178008.3, NM_001178009.3, NM_001320298.2); c.947C>A, p.Ala316Asp (NM_001321072.1); short protein forms A421D, A316D.
Identifiers: ClinVar variation 264043 (VCV000264043.5), dbSNP rs886039021, ClinGen allele CA10587938.